The following is an entry in ClinVar:

ClinVar aggregate classification (germline): Uncertain significance. Review status: criteria provided, multiple submitters, no conflicts (2 of 4 stars). 2 submissions from 2 submitters: Uncertain significance (2). Last evaluated 2025-05-05.

Conditions:
KDM6B-related disorder. Also called: KDM6B-related condition.

gnomAD v4.1: 2 of 1,613,204 alleles (0.00012%); highest among the groups gnomAD compares: South Asian, 0.0022%; no homozygotes.

Submissions (2):

PreventionGenetics, part of Exact Sciences
Classification: Uncertain significance for KDM6B-related condition. Last evaluated: 2025-05-05. Review status: criteria provided, single submitter. Criteria: ACMG Guidelines, 2015. Collection method: clinical testing. Allele origin: germline.
Comment: The KDM6B c.1285G>T variant is predicted to result in the amino acid substitution p.Ala429Ser. To our knowledge, this variant has not been reported in the literature or in a large population database (gnomAD), indicating this variant is rare. At this time, the clinical significance of this variant is uncertain due to the absence of conclusive functional and genetic evidence.

GeneDx
Classification: Uncertain significance. Last evaluated: 2025-03-18. Review status: criteria provided, single submitter. Criteria: GeneDx Variant Classification Process June 2021. Collection method: clinical testing. Allele origin: germline. Affected: yes.
Comment: Not observed at significant frequency in large population cohorts (gnomAD); In silico analysis indicates that this missense variant does not alter protein structure/function; Has not been previously published as pathogenic or benign to our knowledge

NM_001348716.2(KDM6B):c.1285G>T (p.Ala429Ser)

Gene: KDM6B (lysine demethylase 6B; plus strand). Cytogenetic location: 17p13.1.
Variant type: single nucleotide variant.
Coding change: c.1285G>T on transcript NM_001348716.2 (MANE Select); coding-DNA position 1285, G replaced by T.
Protein change: p.Ala429Ser; replaces alanine 429 with serine.
Molecular consequence: missense variant.
Genome position (GRCh38, 1-based): chr17:7,847,573, G>T. VCF-style: chr17-7847573-G-T. GRCh37 (hg19) VCF-style: chr17-7750891-G-T.
Other names: c.1285G>T, p.Ala429Ser (NM_001080424.2); short protein forms A429S.
Identifiers: ClinVar variation 4086669 (VCV004086669.2).